The following is an entry in ClinVar:

NM_021930.6(RINT1):c.2240T>C (p.Leu747Pro)

Genes: EFCAB10 (EF-hand calcium binding domain 10; minus strand), RINT1 (RAD50 interactor 1; plus strand). Cytogenetic location: 7q22.3.
Variant type: single nucleotide variant.
Coding change: c.2240T>C on transcript NM_021930.6 (MANE Select); coding-DNA position 2240, T replaced by C.
Protein change: p.Leu747Pro; replaces leucine 747 with proline.
Molecular consequence: missense variant. On other transcripts: 3 prime UTR variant (2), non-coding transcript variant (1), intron variant (3).
Genome position (GRCh38, 1-based): chr7:105,567,172, T>C. VCF-style: chr7-105567172-T-C. GRCh37 (hg19) VCF-style: chr7-105207619-T-C.
Other names: c.*282A>G (NM_001355527.2, NM_001355529.2); c.2006T>C, p.Leu669Pro (NM_001346599.2); c.1217T>C, p.Leu406Pro (NM_001346600.2, NM_001346603.2); c.1316T>C, p.Leu439Pro (NM_001346601.2); c.360-1725A>G (NM_001355531.2); c.383+295A>G (NM_001355526.2, NM_001355530.2); short protein forms L439P, L669P, L747P, L406P.
Identifiers: ClinVar variation 3314466 (VCV003314466.1).

ClinVar aggregate classification (germline): Uncertain significance (1 of 4 stars; one submission).

gnomAD v4.1: 1 of 1,606,816 alleles (0.000062%); highest among the groups gnomAD compares: South Asian, 0.0011%; no homozygotes.

Submission:

Ambry Genetics
Classification: Uncertain significance. Last evaluated: 2024-05-08. Review status: criteria provided, single submitter. Criteria: Ambry Variant Classification Scheme 2023. Collection method: clinical testing. Allele origin: germline.
Comment: The p.L747P variant (also known as c.2240T>C), located in coding exon 15 of the RINT1 gene, results from a T to C substitution at nucleotide position 2240. The leucine at codon 747 is replaced by proline, an amino acid with similar properties. This amino acid position is conserved. In addition, this alteration is predicted to be deleterious by in silico analysis. Based on the available evidence, the clinical significance of this variant remains unclear.